The following is an entry in ClinVar:

ClinVar aggregate classification (germline): Pathogenic (1 of 4 stars; one submission).

Conditions:
Hypertrophic cardiomyopathy 4. Also called: Familial hypertrophic cardiomyopathy 4. Identifiers: MedGen C1861862, MONDO:0007268, OMIM 115197.

Submission:

Molecular Genetics Laboratory, Motol Hospital
Classification: Pathogenic for Hypertrophic cardiomyopathy 4. Last evaluated: 2024-09-16. Review status: criteria provided, single submitter. Criteria: ACMG Guidelines, 2015. Collection method: clinical testing, case-control. Allele origin: unknown, not applicable. Inheritance: Autosomal dominant inheritance. Affected: yes. Observed: 1 heterozygote. Functional consequence: RNA degradation by nonsense-mediated decay.
Comment: "The targeted analysis of RNA/cDNA extracted from lymphocytes of peripheral blood was performed. The abnormal splicing was not detected on the borderline between the intron 23 and exon 24 and adjacent coding regions. Then during the targeted control analysis of RNA/cDNA the presence of hemizygous variants c.706G a c.786T was identified, suggesting the complete degradation of aberrant transcripts carrying the variant c.2309-3C>G by the process of nonsense-mediated decay. Therefore, the normal splicing on the borderline between the intron 23 and exon 24 and adjacent coding regions was observed on the remaining allele of the MYBPC3 gene. The results of RNA/cDNA analysis suggesting the pathogenicity of the c.2309-3C>G variant are supported by outputs of in silico prediction tools SpliceAI and dbscSNV Ada. " ACMG/AMP Guidelines, 2015 (PMID: 25741868), ACMG/ClinGen SVI Splicing Subgroup, 2023 (PMID: 37352859)

Literature cited by the submitters: PubMed 37352859.

NM_000256.3(MYBPC3):c.2309-3C>G

Gene: MYBPC3 (myosin binding protein C3; minus strand). Cytogenetic location: 11p11.2.
Variant type: single nucleotide variant.
Coding change: c.2309-3C>G on transcript NM_000256.3 (MANE Select); 3 bases into the intron before coding-DNA position 2309, C replaced by G.
Molecular consequence: intron variant.
Genome position (GRCh38, 1-based): chr11:47,337,797, G>C on the plus strand (C>G on the coding strand, the complement: MYBPC3 is on the minus strand). VCF-style: chr11-47337797-G-C. GRCh37 (hg19) VCF-style: chr11-47359348-G-C.
Identifiers: ClinVar variation 3340524 (VCV003340524.3).